The following is an entry in ClinVar:

ClinVar aggregate classification (germline): Benign/Likely benign. Review status: criteria provided, multiple submitters, no conflicts (2 of 4 stars). 9 submissions from 9 submitters: Benign (3); Likely benign (5). 1 of the submissions does not count toward it. Last evaluated 2026-01-28.

Conditions:
Nemaline myopathy 2 (NEM2). Also called: Nemaline myopathy 2, autosomal recessive. Identifiers: MedGen C1850569, MONDO:0009725, OMIM 256030.

Allele frequency attached by ClinVar (database versions not stated): gnomAD exomes 0.00027 and 0.00066; ExAC 0.00176; ESP Exome Variant Server 0.00217; gnomAD 0.00273 and 0.00292; TOPMed 0.00309; 1000 Genomes Project 30x 0.00422; 1000 Genomes Project 0.00479.
gnomAD v4.1: 820 of 1,597,250 alleles (0.051%); highest among the groups gnomAD compares: African/African-American, 0.99%; 5 homozygotes.

Submissions (9):

Labcorp Genetics (formerly Invitae), Labcorp
Classification: Benign for Nemaline myopathy 2. Last evaluated: 2026-01-28. Review status: criteria provided, single submitter. Criteria: Invitae Variant Classification Sherloc (09022015). Collection method: clinical testing. Allele origin: germline.

Blueprint Genetics
Classification: Likely benign. Last evaluated: 2024-10-24. Review status: criteria provided, single submitter. Criteria: ACMG Guidelines, 2015. Collection method: clinical testing. Allele origin: germline.

CeGaT Center for Human Genetics Tuebingen
Classification: Likely benign. Last evaluated: 2023-09-01. Review status: criteria provided, single submitter. Criteria: CeGaT Center For Human Genetics Tuebingen Variant Classification Criteria Version 2. Collection method: clinical testing. Allele origin: germline. Affected: yes. Observed: 1 variant allele.
Comment: NEB: BS1

Illumina Laboratory Services, Illumina
Classification: Likely benign for Nemaline myopathy 2. Last evaluated: 2018-01-12. Review status: criteria provided, single submitter. Criteria: ICSL Variant Classification Criteria 13 December 2019. Collection method: clinical testing. Allele origin: germline.
Comment: This variant was observed in the ICSL laboratory as part of a predisposition screen in an ostensibly healthy population. It had not been previously curated by ICSL or reported in the Human Gene Mutation Database (HGMD: prior to June 1st, 2018), and was therefore a candidate for classification through an automated scoring system. Utilizing variant allele frequency, disease prevalence and penetrance estimates, and inheritance mode, an automated score was calculated to assess if this variant is too frequent to cause the disease. Based on the score and internal cut-off values, a variant classified as likely benign is not then subjected to further curation. The score for this variant resulted in a classification of likely benign for this disease.

GeneDx
Classification: Likely benign. Last evaluated: 2017-10-27. Review status: criteria provided, single submitter. Criteria: GeneDx Variant Classification (06012015). Collection method: clinical testing. Allele origin: germline. Affected: yes.
Comment: This variant is considered likely benign or benign based on one or more of the following criteria: it is a conservative change, it occurs at a poorly conserved position in the protein, it is predicted to be benign by multiple in silico algorithms, and/or has population frequency not consistent with disease.

Eurofins Ntd Llc (ga)
Classification: Benign. Last evaluated: 2013-03-11. Review status: criteria provided, single submitter. Criteria: EGL Classification Definitions 2015. Collection method: clinical testing. Allele origin: germline. Observed: 2 variant alleles, 2 heterozygotes.

Breakthrough Genomics
Classification: Likely benign. Review status: criteria provided, single submitter. Criteria: ACMG Guidelines, 2015. Collection method: not provided. Allele origin: germline. Inheritance: Autosomal recessive inheritance. Affected: yes.

PreventionGenetics, part of Exact Sciences
Classification: Benign. Review status: criteria provided, single submitter. Criteria: ACMG Guidelines, 2015. Collection method: clinical testing. Allele origin: germline.

Natera, Inc.
Classification: Likely benign for Nemaline myopathy type 2. Last evaluated: 2019-11-11. Review status: no assertion criteria provided. Collection method: clinical testing. Allele origin: germline. Not counted in ClinVar's aggregate classification.

NM_001164508.2(NEB):c.7514C>A (p.Ala2505Glu)

Gene: NEB (nebulin; minus strand). Cytogenetic location: 2q23.3.
Variant type: single nucleotide variant.
Coding change: c.7514C>A on transcript NM_001164508.2 (MANE Select); coding-DNA position 7514, C replaced by A.
Protein change: p.Ala2505Glu; replaces alanine 2505 with glutamic acid.
Molecular consequence: missense variant.
Genome position (GRCh38, 1-based): chr2:151,646,152, G>T on the plus strand (C>A on the coding strand, the complement: NEB is on the minus strand). VCF-style: chr2-151646152-G-T. GRCh37 (hg19) VCF-style: chr2-152502666-G-T.
Other names: c.7514C>A, p.Ala2505Glu (NM_001164507.2, NM_001271208.2, NM_004543.5); short protein forms A2505E.
Identifiers: ClinVar variation 95135 (VCV000095135.52), dbSNP rs35292878, ClinGen allele CA148250.